The following is an entry in ClinVar:

NM_000093.5(COL5A1):c.5168T>C (p.Val1723Ala)

Genes: COL5A1 (collagen type V alpha 1 chain; plus strand), LOC101448202 (uncharacterized LOC101448202; minus strand). Cytogenetic location: 9q34.3.
Variant type: single nucleotide variant.
Coding change: c.5168T>C on transcript NM_000093.5 (MANE Select); coding-DNA position 5168, T replaced by C.
Protein change: p.Val1723Ala; replaces valine 1723 with alanine.
Molecular consequence: missense variant.
Genome position (GRCh38, 1-based): chr9:134,835,002, T>C. VCF-style: chr9-134835002-T-C. GRCh37 (hg19) VCF-style: chr9-137726848-T-C.
Other names: c.5168T>C, p.Val1723Ala (NM_001278074.1); short protein forms V1723A.
Identifiers: ClinVar variation 3356601 (VCV003356601.11).

ClinVar aggregate classification (germline): Uncertain significance. Review status: criteria provided, single submitter (1 of 4 stars). 2 submissions from 2 submitters: Uncertain significance (1). 1 of the submissions does not count toward it. Last evaluated 2025-05-01.

Conditions:
COL5A1-related disorder. Also called: COL5A1-related condition.

gnomAD v4.1: 3 of 1,613,722 alleles (0.00019%); highest among the groups gnomAD compares: Non-Finnish European, 0.00025%; no homozygotes.

Submissions (2):

CeGaT Center for Human Genetics Tuebingen
Classification: Uncertain significance. Last evaluated: 2025-05-01. Review status: criteria provided, single submitter. Criteria: CeGaT Center For Human Genetics Tuebingen Variant Classification Criteria Version 2. Collection method: clinical testing. Allele origin: germline. Affected: yes. Observed: 1 variant allele.
Comment: COL5A1: PM2, BP1

PreventionGenetics, part of Exact Sciences
Classification: Uncertain significance for COL5A1-related condition. Last evaluated: 2024-09-09. Review status: no assertion criteria provided. Collection method: clinical testing. Allele origin: germline. Not counted in ClinVar's aggregate classification.
Comment: The COL5A1 c.5168T>C variant is predicted to result in the amino acid substitution p.Val1723Ala. To our knowledge, this variant has not been reported in the literature. This variant is reported in 0.00089% of alleles in individuals of European (Non-Finnish) descent in gnomAD. At this time, the clinical significance of this variant is uncertain due to the absence of conclusive functional and genetic evidence.